The following is an entry in ClinVar:

NM_005619.5(RTN2):c.1135G>A (p.Val379Met)

Genes: RTN2 (reticulon 2; minus strand), OPA3-RTN2 (OPA3-RTN2 readthrough; minus strand). Cytogenetic location: 19q13.32.
Variant type: single nucleotide variant.
Coding change: c.1135G>A on transcript NM_005619.5 (MANE Select); coding-DNA position 1135, G replaced by A.
Protein change: p.Val379Met; replaces valine 379 with methionine.
Molecular consequence: missense variant.
Genome position (GRCh38, 1-based): chr19:45,489,452, C>T on the plus strand (G>A on the coding strand, the complement: RTN2 is on the minus strand). VCF-style: chr19-45489452-C-T. GRCh37 (hg19) VCF-style: chr19-45992710-C-T.
Other names: c.1135G>A (NM_005619.4, NM_005619.3); c.916G>A, p.Val306Met (NM_206900.3); c.115G>A, p.Val39Met (NM_206901.3); short protein forms V306M, V39M, V379M.
Identifiers: ClinVar variation 2140613 (VCV002140613.8), dbSNP rs532500975, ClinGen allele CA9516075.

ClinVar aggregate classification (germline): Conflicting classifications of pathogenicity. Review status: criteria provided, conflicting classifications (1 of 4 stars). 3 submissions from 3 submitters: Uncertain significance (1); Benign (1). 1 of the submissions does not count toward it. Last evaluated 2025-12-08.

Conditions:
Inborn genetic diseases. Identifiers: MedGen C0950123, MeSH D030342.
Spastic paraplegia. Identifiers: MedGen C0037772, HP:0001258.
RTN2-related disorder. Also called: RTN2-related condition.

Allele frequency attached by ClinVar (database versions not stated): ExAC 0.00015; 1000 Genomes Project 30x 0.00016; 1000 Genomes Project 0.00020.
gnomAD v4.1: 156 of 1,612,440 alleles (0.0097%); highest among the groups gnomAD compares: South Asian, 0.071%; 3 homozygotes.

Submissions (3):

Labcorp Genetics (formerly Invitae), Labcorp
Classification: Benign for Spastic paraplegia. Last evaluated: 2025-12-08. Review status: criteria provided, single submitter. Criteria: Invitae Variant Classification Sherloc (09022015). Collection method: clinical testing. Allele origin: germline.

Ambry Genetics
Classification: Uncertain significance for Inborn genetic diseases. Last evaluated: 2023-07-14. Review status: criteria provided, single submitter. Criteria: Ambry Variant Classification Scheme 2023. Collection method: clinical testing. Allele origin: germline.

PreventionGenetics, part of Exact Sciences
Classification: Likely benign for RTN2-related condition. Last evaluated: 2022-10-18. Review status: no assertion criteria provided. Collection method: clinical testing. Allele origin: germline. Not counted in ClinVar's aggregate classification.
Comment: This variant is classified as likely benign based on ACMG/AMP sequence variant interpretation guidelines (Richards et al. 2015 PMID: 25741868, with internal and published modifications).